The following is an entry in ClinVar:

ClinVar aggregate classification (germline): Uncertain significance (1 of 4 stars; one submission).

Conditions:
Kabuki syndrome. Also called: NIIKAWA-KUROKI SYNDROME; Kabuki make-up syndrome. Identifiers: Orphanet 2322, MedGen C0796004, MONDO:0016512.

Submission:

Labcorp Genetics (formerly Invitae), Labcorp
Classification: Uncertain significance for Kabuki syndrome. Last evaluated: 2023-01-15. Review status: criteria provided, single submitter. Criteria: Invitae Variant Classification Sherloc (09022015). Collection method: clinical testing. Allele origin: germline.
Comment: Advanced modeling of protein sequence and biophysical properties (such as structural, functional, and spatial information, amino acid conservation, physicochemical variation, residue mobility, and thermodynamic stability) performed at Invitae indicates that this missense variant is not expected to disrupt KMT2D protein function. This variant has not been reported in the literature in individuals affected with KMT2D-related conditions. This variant is not present in population databases (gnomAD no frequency). This sequence change replaces arginine, which is basic and polar, with proline, which is neutral and non-polar, at codon 4455 of the KMT2D protein (p.Arg4455Pro). In summary, the available evidence is currently insufficient to determine the role of this variant in disease. Therefore, it has been classified as a Variant of Uncertain Significance.

NM_003482.4(KMT2D):c.13364G>C (p.Arg4455Pro)

Gene: KMT2D (lysine methyltransferase 2D; minus strand). Cytogenetic location: 12q13.12.
Variant type: single nucleotide variant.
Coding change: c.13364G>C on transcript NM_003482.4 (MANE Select); coding-DNA position 13364, G replaced by C.
Protein change: p.Arg4455Pro; replaces arginine 4455 with proline.
Molecular consequence: missense variant.
Genome position (GRCh38, 1-based): chr12:49,031,341, C>G on the plus strand (G>C on the coding strand, the complement: KMT2D is on the minus strand). VCF-style: chr12-49031341-C-G. GRCh37 (hg19) VCF-style: chr12-49425124-C-G.
Other names: short protein forms R4455P.
Identifiers: ClinVar variation 2828890 (VCV002828890.3), dbSNP rs372839823, ClinGen allele CA384704851.
Genomic context (GRCh38, chr12:49,031,341, plus strand): 5'-CTGAGTTGCACATTCTTTGCCCGGAGTAGCTTCTGCAAGAGCAGATGCCCAGCTTCTGAG[C>G]GAGGGCCTGCCAGCAGGAGGTGGTTGCTGGTTCCTGGTGCCCCTATTGGCTCCCCATTGG-3'
Protein context (NP_003473.3, residues 4445-4465): TSNHLLLAGP[Arg4455Pro]SEAGHLLLQK